The following is an entry in ClinVar:

NM_003331.5(TYK2):c.1559G>A (p.Gly520Asp)

Gene: TYK2 (tyrosine kinase 2; minus strand). Cytogenetic location: 19p13.2.
Variant type: single nucleotide variant.
Coding change: c.1559G>A on transcript NM_003331.5 (MANE Select); coding-DNA position 1559, G replaced by A.
Protein change: p.Gly520Asp; replaces glycine 520 with aspartic acid.
Molecular consequence: missense variant.
Genome position (GRCh38, 1-based): chr19:10,362,374, C>T on the plus strand (G>A on the coding strand, the complement: TYK2 is on the minus strand). VCF-style: chr19-10362374-C-T. GRCh37 (hg19) VCF-style: chr19-10473050-C-T.
Other names: c.1559G>A (LRG_121t1); short protein forms G520D.
Identifiers: ClinVar variation 327948 (VCV000327948.16), dbSNP rs142576987, ClinGen allele CA9193384.

ClinVar aggregate classification (germline): Uncertain significance. Review status: criteria provided, multiple submitters, no conflicts (2 of 4 stars). 5 submissions from 5 submitters: Uncertain significance (5). Last evaluated 2026-06-26.

Conditions:
TYK2-related disorder. Also called: TYK2-related condition.
Immunodeficiency 35 (IMD35). Also called: TYK2 DEFICIENCY; HIES WITH ATYPICAL MYCOBACTERIOSIS, AUTOSOMAL RECESSIVE; HYPER-IgE SYNDROME WITH ATYPICAL MYCOBACTERIOSIS, AUTOSOMAL RECESSIVE; Susceptibility to infection due to TYK2 deficiency. Identifiers: Orphanet 331226, MedGen C1969086, MONDO:0012682, OMIM 611521.

Allele frequency attached by ClinVar (database versions not stated): gnomAD 0.00010 and 0.00011; gnomAD exomes 0.00010 and 0.00016; ExAC 0.00012; TOPMed 0.00012; 1000 Genomes Project 30x 0.00016; 1000 Genomes Project 0.00020; ESP Exome Variant Server 0.00038.
gnomAD v4.1: 257 of 1,614,038 alleles (0.016%); highest among the groups gnomAD compares: Non-Finnish European, 0.02%; no homozygotes.

Submissions (5):

PreventionGenetics, part of Exact Sciences
Classification: Uncertain significance for TYK2-related condition. Last evaluated: 2026-06-26. Review status: criteria provided, single submitter. Criteria: ACMG Guidelines, 2015. Collection method: clinical testing. Allele origin: germline.
Comment: The TYK2 c.1559G>A variant is predicted to result in the amino acid substitution p.Gly520Asp. To our knowledge, this variant has not been reported in the literature. This variant is reported in 0.019% of alleles in individuals of European (Non-Finnish) descent in gnomAD. At this time, the clinical significance of this variant is uncertain due to the absence of conclusive functional and genetic evidence.

Blueprint Genetics
Classification: Uncertain significance. Last evaluated: 2024-09-04. Review status: criteria provided, single submitter. Criteria: ACMG Guidelines, 2015. Collection method: clinical testing. Allele origin: germline.

Labcorp Genetics (formerly Invitae), Labcorp
Classification: Uncertain significance for Immunodeficiency 35. Last evaluated: 2022-08-09. Review status: criteria provided, single submitter. Criteria: Invitae Variant Classification Sherloc (09022015). Collection method: clinical testing. Allele origin: germline.
Comment: This sequence change replaces glycine, which is neutral and non-polar, with aspartic acid, which is acidic and polar, at codon 520 of the TYK2 protein (p.Gly520Asp). This variant is present in population databases (rs142576987, gnomAD 0.02%). This variant has not been reported in the literature in individuals affected with TYK2-related conditions. ClinVar contains an entry for this variant (Variation ID: 327948). Algorithms developed to predict the effect of missense changes on protein structure and function output the following: SIFT: "Not Available"; PolyPhen-2: "Benign"; Align-GVGD: "Not Available". The aspartic acid amino acid residue is found in multiple mammalian species, which suggests that this missense change does not adversely affect protein function. In summary, the available evidence is currently insufficient to determine the role of this variant in disease. Therefore, it has been classified as a Variant of Uncertain Significance.

Revvity Omics, Revvity
Classification: Uncertain significance for Immunodeficiency 35. Last evaluated: 2019-02-13. Review status: criteria provided, single submitter. Criteria: ACMG Guidelines, 2015. Collection method: clinical testing. Allele origin: germline.

Illumina Laboratory Services, Illumina
Classification: Uncertain significance for Immunodeficiency 35. Last evaluated: 2018-01-13. Review status: criteria provided, single submitter. Criteria: ICSL Variant Classification Criteria 13 December 2019. Collection method: clinical testing. Allele origin: germline.